The following is an entry in ClinVar:

NM_000093.5(COL5A1):c.250A>C (p.Ser84Arg)

Gene: COL5A1 (collagen type V alpha 1 chain; plus strand). Cytogenetic location: 9q34.3.
Variant type: single nucleotide variant.
Coding change: c.250A>C on transcript NM_000093.5 (MANE Select); coding-DNA position 250, A replaced by C.
Protein change: p.Ser84Arg; replaces serine 84 with arginine.
Molecular consequence: missense variant.
Genome position (GRCh38, 1-based): chr9:134,691,052, A>C. VCF-style: chr9-134691052-A-C. GRCh37 (hg19) VCF-style: chr9-137582898-A-C.
Other names: c.250A>C, p.Ser84Arg (NM_001278074.1); short protein forms S84R.
Identifiers: ClinVar variation 3342599 (VCV003342599.1).
Genomic context (GRCh38, chr9:134,691,052, plus strand): 5'-ACGCGGCGATCTTCCAAAGGCCCGGATGTCGCTTACAGAGTCACCAAAGACGCGCAGCTC[A>C]GCGCACCCACCAAGCAGCTGTACCCTGGTAAGTGCCGCACCCTTCTGTTTGGGGCGGTGG-3'
Protein context (NP_000084.3, residues 74-94): AYRVTKDAQL[Ser84Arg]APTKQLYPAS

ClinVar aggregate classification (germline): Uncertain significance (1 of 4 stars; one submission).

gnomAD v4.1: 2 of 1,613,456 alleles (0.00012%); highest among the groups gnomAD compares: Non-Finnish European, 0.00017%; no homozygotes.

Submission:

GeneDx
Classification: Uncertain significance. Last evaluated: 2023-05-17. Review status: criteria provided, single submitter. Criteria: GeneDx Variant Classification Process June 2021. Collection method: clinical testing. Allele origin: germline. Affected: yes.
Comment: Not observed at significant frequency in large population cohorts (gnomAD); In silico analysis supports that this missense variant has a deleterious effect on protein structure/function; Has not been previously published as pathogenic or benign to our knowledge; Not located in the triple helical region, where the majority of pathogenic missense variants occur (Symoens et al., 2012; HGMD)